The following is an entry in ClinVar:

ClinVar aggregate classification (germline): Uncertain significance (1 of 4 stars; one submission).

Conditions:
Aortic valve disease 2 (AOVD2). Identifiers: MedGen C3542024, MONDO:0013902, OMIM 614823.

gnomAD v4.1: 1 of 1,356,936 alleles (0.000074%); highest among the groups gnomAD compares: Non-Finnish European, 0.000095%; no homozygotes.

Submission:

Labcorp Genetics (formerly Invitae), Labcorp
Classification: Uncertain significance for Aortic valve disease 2. Last evaluated: 2025-06-23. Review status: criteria provided, single submitter. Criteria: Invitae Variant Classification Sherloc (09022015). Collection method: clinical testing. Allele origin: germline.
Comment: This sequence change replaces leucine, which is neutral and non-polar, with arginine, which is basic and polar, at codon 225 of the SMAD6 protein (p.Leu225Arg). This variant is not present in population databases (gnomAD no frequency). This variant has not been reported in the literature in individuals affected with SMAD6-related conditions. Invitae Evidence Modeling of protein sequence and biophysical properties (such as structural, functional, and spatial information, amino acid conservation, physicochemical variation, residue mobility, and thermodynamic stability) indicates that this missense variant is not expected to disrupt SMAD6 protein function with a negative predictive value of 80%. In summary, the available evidence is currently insufficient to determine the role of this variant in disease. Therefore, it has been classified as a Variant of Uncertain Significance.

NM_005585.5(SMAD6):c.674T>G (p.Leu225Arg)

Gene: SMAD6 (SMAD family member 6; plus strand). Cytogenetic location: 15q22.31.
Variant type: single nucleotide variant.
Coding change: c.674T>G on transcript NM_005585.5 (MANE Select); coding-DNA position 674, T replaced by G.
Protein change: p.Leu225Arg; replaces leucine 225 with arginine.
Molecular consequence: missense variant. On other transcripts: non-coding transcript variant (1).
Genome position (GRCh38, 1-based): chr15:66,703,932, T>G. VCF-style: chr15-66703932-T-G. GRCh37 (hg19) VCF-style: chr15-66996270-T-G.
Other names: short protein forms L225R.
Identifiers: ClinVar variation 4740591 (VCV004740591.1).